The following is an entry in ClinVar:

ClinVar aggregate classification (germline): Likely pathogenic (1 of 4 stars; one submission).

Conditions:
GNPTAB-mucolipidosis. Also called: UDP-N-acetylglucosamine-1-phosphotransferase subunit alpha/beta deficiency. Identifiers: MedGen CN322573, MONDO:0100122.

Submission:

Myriad Genetics, Inc.
Classification: Likely pathogenic for GNPTAB-mucolipidosis. Last evaluated: 2020-03-10. Review status: criteria provided, single submitter. Criteria: Myriad Autosomal Dominant, Autosomal Recessive and X-Linked Classification Criteria (2023). Collection method: clinical testing. Allele origin: unknown.
Comment: NM_024312.4(GNPTAB):c.542C>G(S181*) is expected to be pathogenic in the context of GNPTAB-related disorders. This variant is predicted to lead to an abnormal or absent protein product due to the creation of a premature termination codon in GNPTAB, a gene where loss-of-function variants are known to be pathogenic. Please note: this variant was assessed in the context of healthy population screening.

NM_024312.5(GNPTAB):c.542C>G (p.Ser181Ter)

Gene: GNPTAB (N-acetylglucosamine-1-phosphate transferase subunits alpha and beta; minus strand). Cytogenetic location: 12q23.2.
Variant type: single nucleotide variant.
Coding change: c.542C>G on transcript NM_024312.5 (MANE Select); coding-DNA position 542, C replaced by G.
Protein change: p.Ser181Ter; replaces serine 181 with a stop codon.
Molecular consequence: nonsense.
Genome position (GRCh38, 1-based): chr12:101,786,041, G>C on the plus strand (C>G on the coding strand, the complement: GNPTAB is on the minus strand). VCF-style: chr12-101786041-G-C. GRCh37 (hg19) VCF-style: chr12-102179819-G-C.
Other names: short protein forms S181*.
Identifiers: ClinVar variation 984349 (VCV000984349.4), dbSNP rs756660023, ClinGen allele CA386304831.